The following is an entry in ClinVar:

ClinVar aggregate classification (germline): Conflicting classifications of pathogenicity. Review status: criteria provided, conflicting classifications (1 of 4 stars). 5 submissions from 5 submitters: Uncertain significance (3); Likely benign (2). Last evaluated 2026-02-17.

Conditions:
Mucopolysaccharidosis, MPS-III-A (MPS3A). Also called: SANFILIPPO SYNDROME A; SULFAMIDASE DEFICIENCY; MPS III A; HEPARAN SULFATE SULFATASE DEFICIENCY; Mucopolysaccharidosis, type IIIA; MUCOPOLYSACCHARIDOSIS, TYPE IIIA, ATTENUATED. Identifiers: Orphanet 581, Orphanet 79269, MedGen C0086647, MONDO:0009655, OMIM 252900.

Allele frequency attached by ClinVar (database versions not stated): 1000 Genomes Project 30x 0.00031; ExAC 0.00013.

Submissions (5):

GeneDx
Classification: Uncertain significance. Last evaluated: 2026-02-17. Review status: criteria provided, single submitter. Criteria: GeneDx Variant Classification Process June 2021. Collection method: clinical testing. Allele origin: germline.
Comment: In silico analysis suggests that this missense variant does not alter protein structure/function; Has not been previously published as pathogenic or benign to our knowledge

Labcorp Genetics (formerly Invitae), Labcorp
Classification: Likely benign for Mucopolysaccharidosis, MPS-III-A. Last evaluated: 2026-01-25. Review status: criteria provided, single submitter. Criteria: Invitae Variant Classification Sherloc (09022015). Collection method: clinical testing. Allele origin: germline.

Blueprint Genetics
Classification: Likely benign. Last evaluated: 2023-10-11. Review status: criteria provided, single submitter. Criteria: ACMG Guidelines, 2015. Collection method: clinical testing. Allele origin: germline.

Genome-Nilou Lab
Classification: Uncertain significance for Mucopolysaccharidosis, MPS-III-A. Last evaluated: 2021-11-07. Review status: criteria provided, single submitter. Criteria: ACMG Guidelines, 2015. Collection method: clinical testing. Allele origin: germline. Affected: no.

Illumina Laboratory Services, Illumina
Classification: Uncertain significance for Mucopolysaccharidosis, MPS-III-A. Last evaluated: 2018-01-12. Review status: criteria provided, single submitter. Criteria: ICSL Variant Classification Criteria 13 December 2019. Collection method: clinical testing. Allele origin: germline.

NM_000199.5(SGSH):c.952C>A (p.Leu318Ile)

Gene: SGSH (N-sulfoglucosamine sulfohydrolase; minus strand). Cytogenetic location: 17q25.3.
Variant type: single nucleotide variant.
Coding change: c.952C>A on transcript NM_000199.5 (MANE Select); coding-DNA position 952, C replaced by A.
Protein change: p.Leu318Ile; replaces leucine 318 with isoleucine.
Molecular consequence: missense variant. On other transcripts: 3 prime UTR variant (2), non-coding transcript variant (1).
Genome position (GRCh38, 1-based): chr17:80,211,009, G>T on the plus strand (C>A on the coding strand, the complement: SGSH is on the minus strand). VCF-style: chr17-80211009-G-T. GRCh37 (hg19) VCF-style: chr17-78184808-G-T.
Other names: c.*39C>A (NM_001352921.3); c.*2C>A (NM_001352922.2); short protein forms L318I.
Identifiers: ClinVar variation 889908 (VCV000889908.11), dbSNP rs747197522, ClinGen allele CA8817706.